The following is an entry in ClinVar:

NM_001128.6(AP1G1):c.704A>G (p.His235Arg)

Gene: AP1G1 (adaptor related protein complex 1 subunit gamma 1; minus strand). Cytogenetic location: 16q22.2.
Variant type: single nucleotide variant.
Coding change: c.704A>G on transcript NM_001128.6 (MANE Select); coding-DNA position 704, A replaced by G.
Protein change: p.His235Arg; replaces histidine 235 with arginine.
Molecular consequence: missense variant.
Genome position (GRCh38, 1-based): chr16:71,765,523, T>C on the plus strand (A>G on the coding strand, the complement: AP1G1 is on the minus strand). VCF-style: chr16-71765523-T-C. GRCh37 (hg19) VCF-style: chr16-71799426-T-C.
Other names: c.713A>G, p.His238Arg (NM_001030007.2); short protein forms H235R, H238R.
Identifiers: ClinVar variation 5001831 (VCV005001831.1).

ClinVar aggregate classification (germline): Uncertain significance (1 of 4 stars; one submission).

Conditions:
AP1G1-related disorder. Also called: AP1G1-related condition.

Submission:

PreventionGenetics, part of Exact Sciences
Classification: Uncertain significance for AP1G1-related condition. Last evaluated: 2025-02-20. Review status: criteria provided, single submitter. Criteria: ACMG Guidelines, 2015. Collection method: clinical testing. Allele origin: germline.
Comment: The AP1G1 c.713A>G variant is predicted to result in the amino acid substitution p.His238Arg. To our knowledge, this variant has not been reported in the literature or in a large population database (gnomAD), indicating this variant is rare. At this time, the clinical significance of this variant is uncertain due to the absence of conclusive functional and genetic evidence.